The following is an entry in ClinVar:

ClinVar aggregate classification (germline): Uncertain significance. Review status: criteria provided, multiple submitters, no conflicts (2 of 4 stars). 2 submissions from 2 submitters: Uncertain significance (2). Last evaluated 2025-06-10.

Conditions:
Inborn genetic diseases. Identifiers: MedGen C0950123, MeSH D030342.
Norman-Roberts syndrome (LIS2). Also called: Lissencephaly 2 (Norman-Roberts type). Identifiers: Orphanet 89844, MedGen C0796089, MONDO:0009760, OMIM 257320.
Familial temporal lobe epilepsy 7. Identifiers: Orphanet 101046, MedGen C4225327, MONDO:0014639, OMIM 616436.

Allele frequency attached by ClinVar (database versions not stated): ExAC 0.00001; gnomAD exomes 0.00001.
gnomAD v4.1: 4 of 1,608,514 alleles (0.00025%); highest among the groups gnomAD compares: Admixed American, 0.0034%; no homozygotes.

Submissions (2):

Ambry Genetics
Classification: Uncertain significance for Inborn genetic diseases. Last evaluated: 2025-06-10. Review status: criteria provided, single submitter. Criteria: Ambry Variant Classification Scheme 2023. Collection method: clinical testing. Allele origin: germline.

Labcorp Genetics (formerly Invitae), Labcorp
Classification: Uncertain significance for Familial temporal lobe epilepsy 7; Norman-Roberts syndrome. Last evaluated: 2025-02-14. Review status: criteria provided, single submitter. Criteria: Invitae Variant Classification Sherloc (09022015). Collection method: clinical testing. Allele origin: germline.
Comment: This sequence change replaces alanine, which is neutral and non-polar, with serine, which is neutral and polar, at codon 1651 of the RELN protein (p.Ala1651Ser). The frequency data for this variant in the population databases is considered unreliable, as metrics indicate poor data quality at this position in the gnomAD database. This variant has not been reported in the literature in individuals affected with RELN-related conditions. ClinVar contains an entry for this variant (Variation ID: 1347486). Invitae Evidence Modeling of protein sequence and biophysical properties (such as structural, functional, and spatial information, amino acid conservation, physicochemical variation, residue mobility, and thermodynamic stability) indicates that this missense variant is not expected to disrupt RELN protein function with a negative predictive value of 80%. In summary, the available evidence is currently insufficient to determine the role of this variant in disease. Therefore, it has been classified as a Variant of Uncertain Significance.

NM_005045.4(RELN):c.4951G>T (p.Ala1651Ser)

Gene: RELN (reelin; minus strand). Cytogenetic location: 7q22.1.
Variant type: single nucleotide variant.
Coding change: c.4951G>T on transcript NM_005045.4 (MANE Select); coding-DNA position 4951, G replaced by T.
Protein change: p.Ala1651Ser; replaces alanine 1651 with serine.
Molecular consequence: missense variant.
Genome position (GRCh38, 1-based): chr7:103,565,537, C>A on the plus strand (G>T on the coding strand, the complement: RELN is on the minus strand). VCF-style: chr7-103565537-C-A. GRCh37 (hg19) VCF-style: chr7-103205984-C-A.
Other names: c.4951G>T (NM_005045.3); c.4951G>T, p.Ala1651Ser (NM_173054.3); short protein forms A1651S.
Identifiers: ClinVar variation 1347486 (VCV001347486.9), dbSNP rs755003399, ClinGen allele CA4421351.